The following is an entry in ClinVar:

NM_004836.7(EIF2AK3):c.2110G>A (p.Ala704Thr)

Genes: EIF2AK3 (eukaryotic translation initiation factor 2 alpha kinase 3; minus strand), EIF2AK3-AS1 (EIF2AK3 antisense RNA 1; plus strand). Cytogenetic location: 2p11.2.
Variant type: single nucleotide variant.
Coding change: c.2110G>A on transcript NM_004836.7 (MANE Select); coding-DNA position 2110, G replaced by A.
Protein change: p.Ala704Thr; replaces alanine 704 with threonine.
Molecular consequence: missense variant. On other transcripts: non-coding transcript variant (1).
Genome position (GRCh38, 1-based): chr2:88,575,373, C>T on the plus strand (G>A on the coding strand, the complement: EIF2AK3 is on the minus strand). VCF-style: chr2-88575373-C-T. GRCh37 (hg19) VCF-style: chr2-88874891-C-T.
Other names: c.1657G>A, p.Ala553Thr (NM_001313915.2); short protein forms A553T, A704T.
Identifiers: ClinVar variation 2179599 (VCV002179599.1), dbSNP rs1805165, ClinGen allele CA347592881.
Genomic context (GRCh38, chr2:88,575,373, plus strand): 5'-CTGAAAAAGACCTGCTTCTTTGTGGTGAAGGAGCTATGATTTCAATATGTTCTTTTGTAG[C>T]GAAAGGATCCATTCTGCGTATTTTAACTGATGGTGCATCCATTGGGCTAGGAGAGCTGAG-3'
Protein context (NP_004827.4, residues 694-714): SVKIRRMDPF[Ala704Thr]TKEHIEIIAP

ClinVar aggregate classification (germline): Uncertain significance (1 of 4 stars; one submission).

gnomAD v4.1: 13 of 1,613,744 alleles (0.00081%); highest among the groups gnomAD compares: South Asian, 0.0055%; no homozygotes.

Submission:

Labcorp Genetics (formerly Invitae), Labcorp
Classification: Uncertain significance. Last evaluated: 2022-07-15. Review status: criteria provided, single submitter. Criteria: Invitae Variant Classification Sherloc (09022015). Collection method: clinical testing. Allele origin: germline.
Comment: This sequence change replaces alanine, which is neutral and non-polar, with threonine, which is neutral and polar, at codon 704 of the EIF2AK3 protein (p.Ala704Thr). This variant is present in population databases (no rsID available, gnomAD 0.003%). This variant has not been reported in the literature in individuals affected with EIF2AK3-related conditions. Algorithms developed to predict the effect of missense changes on protein structure and function (SIFT, PolyPhen-2, Align-GVGD) all suggest that this variant is likely to be tolerated. In summary, the available evidence is currently insufficient to determine the role of this variant in disease. Therefore, it has been classified as a Variant of Uncertain Significance.